The following is an entry in ClinVar:

NM_006389.5(HYOU1):c.679-12A>G

Gene: HYOU1 (hypoxia up-regulated 1; minus strand). Cytogenetic location: 11q23.3.
Variant type: single nucleotide variant.
Coding change: c.679-12A>G on transcript NM_006389.5 (MANE Select); 12 bases into the intron before coding-DNA position 679, A replaced by G.
Molecular consequence: intron variant.
Genome position (GRCh38, 1-based): chr11:119,054,248, T>C on the plus strand (A>G on the coding strand, the complement: HYOU1 is on the minus strand). VCF-style: chr11-119054248-T-C. GRCh37 (hg19) VCF-style: chr11-118924960-T-C.
Other names: c.679-12A>G (NM_001130991.3).
Identifiers: ClinVar variation 1904066 (VCV001904066.6), dbSNP rs376312691, ClinGen allele CA229647791.

ClinVar aggregate classification (germline): Conflicting classifications of pathogenicity. Review status: criteria provided, conflicting classifications (1 of 4 stars). 2 submissions from 2 submitters: Uncertain significance (1); Likely benign (1). Last evaluated 2022-11-03.

Allele frequency attached by ClinVar (database versions not stated): gnomAD 0.00003; TOPMed 0.00003; gnomAD exomes 0.00006.
gnomAD v4.1: 92 of 1,596,758 alleles (0.0058%); highest among the groups gnomAD compares: Non-Finnish European, 0.0075%; no homozygotes.

Submissions (2):

Blueprint Genetics
Classification: Likely benign. Last evaluated: 2022-11-03. Review status: criteria provided, single submitter. Criteria: ACMG Guidelines, 2015. Collection method: clinical testing. Allele origin: germline.

Labcorp Genetics (formerly Invitae), Labcorp
Classification: Uncertain significance. Last evaluated: 2022-02-25. Review status: criteria provided, single submitter. Criteria: Invitae Variant Classification Sherloc (09022015). Collection method: clinical testing. Allele origin: germline.
Comment: This variant has not been reported in the literature in individuals affected with HYOU1-related conditions. In summary, the available evidence is currently insufficient to determine the role of this variant in disease. Therefore, it has been classified as a Variant of Uncertain Significance. This variant is present in population databases (rs376312691, gnomAD 0.007%). This sequence change falls in intron 7 of the HYOU1 gene. It does not directly change the encoded amino acid sequence of the HYOU1 protein.